The following is an entry in ClinVar:

NM_005267.5(GJA8):c.208T>G (p.Phe70Val)

Gene: GJA8 (gap junction protein alpha 8; plus strand). Cytogenetic location: 1q21.2.
Variant type: single nucleotide variant.
Coding change: c.208T>G on transcript NM_005267.5 (MANE Select); coding-DNA position 208, T replaced by G.
Protein change: p.Phe70Val; replaces phenylalanine 70 with valine.
Molecular consequence: missense variant.
Genome position (GRCh38, 1-based): chr1:147,908,163, T>G. VCF-style: chr1-147908163-T-G. GRCh37 (hg19) VCF-style: chr1-147380290-T-G.
Other names: short protein forms F70V.
Identifiers: ClinVar variation 2672348 (VCV002672348.23), dbSNP rs2524889489, ClinGen allele CA342223534.
Genomic context (GRCh38, chr1:147,908,163, plus strand): 5'-TCCGACTTCGTGTGCAACACCCAGCAGCCTGGCTGCGAGAACGTCTGCTACGACGAGGCC[T>G]TTCCCATCTCCCACATTCGCCTCTGGGTGCTGCAGATCATCTTCGTCTCCACCCCGTCCC-3'
Protein context (NP_005258.2, residues 60-80): GCENVCYDEA[Phe70Val]PISHIRLWVL

ClinVar aggregate classification (germline): Likely pathogenic (1 of 4 stars; one submission).

Submission:

CeGaT Center for Human Genetics Tuebingen
Classification: Likely pathogenic. Last evaluated: 2024-08-01. Review status: criteria provided, single submitter. Criteria: CeGaT Center For Human Genetics Tuebingen Variant Classification Criteria Version 2. Collection method: clinical testing. Allele origin: germline. Affected: yes. Observed: 1 variant allele.
Comment: GJA8: PM2, PM5, PS2:Moderate, PP3